The following is an entry in ClinVar:

NM_002473.6(MYH9):c.4927C>A (p.Leu1643Met)

Gene: MYH9 (myosin heavy chain 9; minus strand). Cytogenetic location: 22q12.3.
Variant type: single nucleotide variant.
Coding change: c.4927C>A on transcript NM_002473.6 (MANE Select); coding-DNA position 4927, C replaced by A.
Protein change: p.Leu1643Met; replaces leucine 1643 with methionine.
Molecular consequence: missense variant.
Genome position (GRCh38, 1-based): chr22:36,288,257, G>T on the plus strand (C>A on the coding strand, the complement: MYH9 is on the minus strand). VCF-style: chr22-36288257-G-T. GRCh37 (hg19) VCF-style: chr22-36684303-G-T.
Other names: short protein forms L1643M.
Identifiers: ClinVar variation 179150 (VCV000179150.8), dbSNP rs727504669, ClinGen allele CA183816.

ClinVar aggregate classification (germline): Conflicting classifications of pathogenicity. Review status: criteria provided, conflicting classifications (1 of 4 stars). 4 submissions from 4 submitters: Uncertain significance (3); Likely benign (1). Last evaluated 2025-10-17.

Conditions:
Inborn genetic diseases. Identifiers: MedGen C0950123, MeSH D030342.
Autosomal dominant nonsyndromic hearing loss 17. Also called: Deafness, autosomal dominant 17; Autosomal dominant nonsyndromic deafness 17. Identifiers: Orphanet 90635, MedGen C1863659, MONDO:0011350, OMIM 603622.
Macrothrombocytopenia and granulocyte inclusions with or without nephritis or sensorineural hearing loss (MATINS). Also called: BLEEDING DISORDER, PLATELET-TYPE, 6; MAY-HEGGLIN ANOMALY; MYH9-Related Disease (MYH9-RD); DOHLE LEUKOCYTE INCLUSIONS WITH GIANT PLATELETS; SEBASTIAN PLATELET SYNDROME; MACROTHROMBOCYTOPENIA WITH DISPERSED LEUKOCYTIC INCLUSIONS. Identifiers: Orphanet 182050, MedGen C5200934, MONDO:0015912, OMIM 155100.

Allele frequency attached by ClinVar (database versions not stated): gnomAD 0.00001; TOPMed 0.00002.
gnomAD v4.1: 44 of 1,613,806 alleles (0.0027%); highest among the groups gnomAD compares: Non-Finnish European, 0.0037%; no homozygotes.

Submissions (4):

Labcorp Genetics (formerly Invitae), Labcorp
Classification: Likely benign. Last evaluated: 2025-10-17. Review status: criteria provided, single submitter. Criteria: Invitae Variant Classification Sherloc (09022015). Collection method: clinical testing. Allele origin: germline.

Fulgent Genetics
Classification: Uncertain significance for Macrothrombocytopenia and granulocyte inclusions with or without nephritis or sensorineural hearing loss; Autosomal dominant nonsyndromic hearing loss 17. Last evaluated: 2024-03-18. Review status: criteria provided, single submitter. Criteria: ACMG Guidelines, 2015. Collection method: clinical testing. Allele origin: germline.

Ambry Genetics
Classification: Uncertain significance for Inborn genetic diseases. Last evaluated: 2023-11-29. Review status: criteria provided, single submitter. Criteria: Ambry Variant Classification Scheme 2023. Collection method: clinical testing. Allele origin: germline.

Laboratory for Molecular Medicine, Mass General Brigham Personalized Medicine
Classification: Uncertain significance. Last evaluated: 2013-08-16. Review status: criteria provided, single submitter. Criteria: LMM Criteria. Collection method: clinical testing. Allele origin: germline. Observed: 1 variant allele.
Comment: Variant classified as Uncertain Significance - Favor Benign. The Leu1643Met vari ant in MYH9 has not been reported in the literature nor previously identified by our laboratory. Computational analyses (biochemical amino acid properties, cons ervation, AlignGVGD, PolyPhen2, and SIFT) do not provide strong support for or a gainst an impact to the protein. Additional data is needed to determine the clin ical significance of this variant; however, given the absence of a dominant fami ly history of hearing loss in this family and an alternate cause of hearing loss in this child, we would lean towards a more likely benign role.